The following is an entry in ClinVar:

ClinVar aggregate classification (germline): Conflicting classifications of pathogenicity. Review status: criteria provided, conflicting classifications (1 of 4 stars). 2 submissions from 2 submitters: Uncertain significance (1); Likely benign (1). Last evaluated 2025-05-25.

Conditions:
Cardiovascular phenotype. Identifiers: MedGen CN230736.
Hypercholesterolemia, autosomal dominant, type B (FHCL2). Also called: APOB-Related Familial Hypercholesterolemia, Autosomal Dominant; Familial Hypercholesterolemia Type B; APOLIPOPROTEIN B-100, FAMILIAL DEFECTIVE; APOLIPOPROTEIN B-100, FAMILIAL LIGAND-DEFECTIVE; HYPERCHOLESTEROLEMIA, FAMILIAL, DUE TO LIGAND-DEFECTIVE APOLIPOPROTEIN B; Hyperlipoproteinemia Type IIb. Identifiers: MedGen C1704417, MONDO:0007751, OMIM 144010.
Familial hypobetalipoproteinemia 1. Also called: Hypobetalipoproteinemia, normotriglyceridemic; Acanthocytosis with hypobetalipoproteinemia; APOB-Related Familial Hypobetalipoproteinemia. Identifiers: MedGen C4551990, MONDO:0014252, OMIM 615558.

Allele frequency attached by ClinVar (database versions not stated): ExAC 0.00001; gnomAD exomes 0.00001; TOPMed 0.00001; gnomAD 0.00002.
gnomAD v4.1: 11 of 1,614,086 alleles (0.00068%); highest among the groups gnomAD compares: Admixed American, 0.018%; no homozygotes.

Submissions (2):

Labcorp Genetics (formerly Invitae), Labcorp
Classification: Likely benign for Familial hypobetalipoproteinemia 1; Hypercholesterolemia, autosomal dominant, type B. Last evaluated: 2025-05-25. Review status: criteria provided, single submitter. Criteria: Invitae Variant Classification Sherloc (09022015). Collection method: clinical testing. Allele origin: germline.

Ambry Genetics
Classification: Uncertain significance for Cardiovascular phenotype. Last evaluated: 2024-09-14. Review status: criteria provided, single submitter. Criteria: Ambry Variant Classification Scheme 2023. Collection method: clinical testing. Allele origin: germline.
Comment: The p.Y1501H variant (also known as c.4501T>C), located in coding exon 26 of the APOB gene, results from a T to C substitution at nucleotide position 4501. The tyrosine at codon 1501 is replaced by histidine, an amino acid with similar properties. This amino acid position is conserved. In addition, this alteration is predicted to be tolerated by in silico analysis. Based on the available evidence, the clinical significance of this variant remains unclear.

NM_000384.3(APOB):c.4501T>C (p.Tyr1501His)

Gene: APOB (apolipoprotein B; minus strand). Cytogenetic location: 2p24.1.
Variant type: single nucleotide variant.
Coding change: c.4501T>C on transcript NM_000384.3 (MANE Select); coding-DNA position 4501, T replaced by C.
Protein change: p.Tyr1501His; replaces tyrosine 1501 with histidine.
Molecular consequence: missense variant.
Genome position (GRCh38, 1-based): chr2:21,012,367, A>G on the plus strand (T>C on the coding strand, the complement: APOB is on the minus strand). VCF-style: chr2-21012367-A-G. GRCh37 (hg19) VCF-style: chr2-21235239-A-G.
Other names: c.4501T>C (NM_000384.2); short protein forms Y1501H.
Identifiers: ClinVar variation 2923548 (VCV002923548.4), dbSNP rs761729714, ClinGen allele CA061053.
Genomic context (GRCh38, chr2:21,012,367, plus strand): 5'-TCAGGTTGGACTCTCCATTGAGCCGGCCAGTGTTAGGATCCCTCTGACAAGACAGGCCAT[A>G]TGTGCCTTTAGCATAGAACGAAGAGACTCTGAACTGCCCATCAATCTTGACTTCTTTGAC-3'
Protein context (NP_000375.3, residues 1491-1511): RVSSFYAKGT[Tyr1501His]GLSCQRDPNT